The following is an entry in ClinVar:

ClinVar aggregate classification (germline): Uncertain significance. Review status: criteria provided, multiple submitters, no conflicts (2 of 4 stars). 4 submissions from 4 submitters: Uncertain significance (4). Last evaluated 2025-02-15.

Conditions:
Epidermolysis bullosa simplex 5B, with muscular dystrophy (EBS5B). Also called: EPIDERMOLYSIS BULLOSA SIMPLEX AND LIMB-GIRDLE MUSCULAR DYSTROPHY; Epidermolysis bullosa simplex with muscular dystrophy. Identifiers: Orphanet 257, MedGen C2931072, MONDO:0009181, OMIM 226670.
Epidermolysis bullosa simplex, Ogna type (EBS5A). Also called: Pidermolysis bullosa simplex 5A, Ogna type; EPIDERMOLYSIS BULLOSA SIMPLEX 5A, OGNA TYPE. Identifiers: Orphanet 79401, MedGen C0432317, MONDO:0007555, OMIM 131950.
Autosomal recessive limb-girdle muscular dystrophy type 2Q (LGMDR17). Also called: MUSCULAR DYSTROPHY, LIMB-GIRDLE, AUTOSOMAL RECESSIVE 17. Identifiers: Orphanet 254361, MedGen C3150989, MONDO:0013390, OMIM 613723.
Epidermolysis bullosa simplex 5C, with pyloric atresia (EBS5C). Also called: Epidermolysis bullosa simplex with pyloric atresia; PLEC1-Related Epidermolysis Bullosa with Pyloric Atresia; PLEC-Related Epidermolysis Bullosa with Pyloric Atresia. Identifiers: Orphanet 158684, MedGen C2677349, MONDO:0012807, OMIM 612138.
Epidermolysis bullosa simplex with nail dystrophy (EBS5D). Identifiers: MedGen C4225309, MONDO:0014661, OMIM 616487.
Inborn genetic diseases. Identifiers: MedGen C0950123, MeSH D030342.

Allele frequency attached by ClinVar (database versions not stated): TOPMed 0.00001; ExAC 0.00002; gnomAD 0.00002; gnomAD exomes 0.00002 and 0.00004.
gnomAD v4.1: 53 of 1,602,494 alleles (0.0033%); highest among the groups gnomAD compares: Non-Finnish European, 0.0041%; no homozygotes.

Submissions (4):

Labcorp Genetics (formerly Invitae), Labcorp
Classification: Uncertain significance for Autosomal recessive limb-girdle muscular dystrophy type 2Q; Epidermolysis bullosa simplex, Ogna type; Epidermolysis bullosa simplex with nail dystrophy; Epidermolysis bullosa simplex 5C, with pyloric atresia; Epidermolysis bullosa simplex 5B, with muscular dystrophy. Last evaluated: 2025-02-15. Review status: criteria provided, single submitter. Criteria: Invitae Variant Classification Sherloc (09022015). Collection method: clinical testing. Allele origin: germline.
Comment: This sequence change replaces arginine, which is basic and polar, with tryptophan, which is neutral and slightly polar, at codon 3404 of the PLEC protein (p.Arg3404Trp). This variant is present in population databases (rs782682738, gnomAD 0.006%). This variant has not been reported in the literature in individuals affected with PLEC-related conditions. ClinVar contains an entry for this variant (Variation ID: 497326). Invitae Evidence Modeling of protein sequence and biophysical properties (such as structural, functional, and spatial information, amino acid conservation, physicochemical variation, residue mobility, and thermodynamic stability) has been performed for this missense variant. However, the output from this modeling did not meet the statistical confidence thresholds required to predict the impact of this variant on PLEC protein function. In summary, the available evidence is currently insufficient to determine the role of this variant in disease. Therefore, it has been classified as a Variant of Uncertain Significance.

Ambry Genetics
Classification: Uncertain significance for Inborn genetic diseases. Last evaluated: 2024-03-05. Review status: criteria provided, single submitter. Criteria: Ambry Variant Classification Scheme 2023. Collection method: clinical testing. Allele origin: germline.

Revvity Omics, Revvity
Classification: Uncertain significance. Last evaluated: 2019-07-15. Review status: criteria provided, single submitter. Criteria: ACMG Guidelines, 2015. Collection method: clinical testing. Allele origin: germline.

Eurofins Ntd Llc (ga)
Classification: Uncertain significance. Last evaluated: 2016-09-30. Review status: criteria provided, single submitter. Criteria: EGL Classification Definitions 2015. Collection method: clinical testing. Allele origin: germline. Observed: 1 variant allele, 1 heterozygote.

NM_201384.3(PLEC):c.10129C>T (p.Arg3377Trp)

Gene: PLEC (plectin; minus strand). Cytogenetic location: 8q24.3.
Variant type: single nucleotide variant.
Coding change: c.10129C>T on transcript NM_201384.3 (MANE Select); coding-DNA position 10129, C replaced by T.
Protein change: p.Arg3377Trp; replaces arginine 3377 with tryptophan.
Molecular consequence: missense variant.
Genome position (GRCh38, 1-based): chr8:143,919,692, G>A on the plus strand (C>T on the coding strand, the complement: PLEC is on the minus strand). VCF-style: chr8-143919692-G-A. GRCh37 (hg19) VCF-style: chr8-144993860-G-A.
Other names: c.10210C>T, p.Arg3404Trp (NM_000445.5); c.10087C>T, p.Arg3363Trp (NM_201378.4); c.10063C>T, p.Arg3355Trp (NM_201379.3); c.10540C>T, p.Arg3514Trp (NM_201380.4); c.10033C>T, p.Arg3345Trp (NM_201381.3); c.10129C>T, p.Arg3377Trp (NM_201382.4); c.10141C>T, p.Arg3381Trp (NM_201383.3); c.10210C>T (NM_000445.3); short protein forms R3345W, R3355W, R3363W, R3377W, R3381W, R3404W, R3514W.
Identifiers: ClinVar variation 497326 (VCV000497326.15), dbSNP rs782682738, ClinGen allele CA4924743.